The following is an entry in ClinVar:

ClinVar aggregate classification (germline): Benign/Likely benign. Review status: criteria provided, multiple submitters, no conflicts (2 of 4 stars). 4 submissions from 4 submitters: Benign (1); Likely benign (2). 1 of the submissions does not count toward it. Last evaluated 2026-01-28.

Conditions:
CEP104-related disorder. Also called: CEP104-related condition.
Joubert syndrome 25 (JBTS25). Identifiers: Orphanet 475, MedGen C4084842, MONDO:0014770, OMIM 616781.

Allele frequency attached by ClinVar (database versions not stated): 1000 Genomes Project 30x 0.00859; 1000 Genomes Project 0.00879; TOPMed 0.00902; gnomAD exomes 0.00077 and 0.00198; ExAC 0.00248; gnomAD 0.00775 and 0.00830; ESP Exome Variant Server 0.00800.
gnomAD v4.1: 2,366 of 1,614,152 alleles (0.15%); highest among the groups gnomAD compares: African/African-American, 2.7%; 34 homozygotes.

Submissions (4):

Labcorp Genetics (formerly Invitae), Labcorp
Classification: Benign for Joubert syndrome 25. Last evaluated: 2026-01-28. Review status: criteria provided, single submitter. Criteria: Invitae Variant Classification Sherloc (09022015). Collection method: clinical testing. Allele origin: germline.

GeneDx
Classification: Likely benign. Last evaluated: 2024-12-31. Review status: criteria provided, single submitter. Criteria: GeneDx Variant Classification Process June 2021. Collection method: clinical testing. Allele origin: germline. Affected: yes.
Comment: See Variant Classification Assertion Criteria.

Breakthrough Genomics
Classification: Likely benign. Review status: criteria provided, single submitter. Criteria: ACMG Guidelines, 2015. Collection method: not provided. Allele origin: germline. Inheritance: Autosomal recessive inheritance. Affected: yes.

PreventionGenetics, part of Exact Sciences
Classification: Benign for CEP104-related condition. Last evaluated: 2019-09-17. Review status: no assertion criteria provided. Collection method: clinical testing. Allele origin: germline. Not counted in ClinVar's aggregate classification.
Comment: This variant is classified as benign based on ACMG/AMP sequence variant interpretation guidelines (Richards et al. 2015 PMID: 25741868, with internal and published modifications).

NM_014704.4(CEP104):c.2569G>A (p.Glu857Lys)

Gene: CEP104 (centrosomal protein 104; minus strand). Cytogenetic location: 1p36.32.
Variant type: single nucleotide variant.
Coding change: c.2569G>A on transcript NM_014704.4 (MANE Select); coding-DNA position 2569, G replaced by A.
Protein change: p.Glu857Lys; replaces glutamic acid 857 with lysine.
Molecular consequence: missense variant.
Genome position (GRCh38, 1-based): chr1:3,823,176, C>T on the plus strand (G>A on the coding strand, the complement: CEP104 is on the minus strand). VCF-style: chr1-3823176-C-T. GRCh37 (hg19) VCF-style: chr1-3739740-C-T.
Other names: short protein forms E857K.
Identifiers: ClinVar variation 475461 (VCV000475461.19), dbSNP rs111626991, ClinGen allele CA551247.